The following is an entry in ClinVar:

NM_130837.3(OPA1):c.449-12_449-5del

Gene: OPA1 (OPA1 mitochondrial dynamin like GTPase; plus strand). Cytogenetic location: 3q29.
Variant type: Deletion.
Coding change: c.449-12_449-5del on transcript NM_130837.3 (MANE Select); 12 bases into the intron before coding-DNA position 449 through 5 bases into the intron before coding-DNA position 449, 8 bases deleted (GATCTTTT; older notation c.449-12_449-5delGATCTTTT).
Molecular consequence: intron variant.
Genome position (GRCh38, 1-based): chr3:193,617,166-193,617,173, GATCTTTT deleted; deleting any 8 consecutive bases within chr3:193,617,162-193,617,173 gives the same sequence; the c. name uses the placement nearest the transcript's 3' end. VCF-style (leftmost placement, unchanged base first): chr3-193617161-GTTTTGATC-G. GRCh37 (hg19) VCF-style: chr3-193334950-GTTTTGATC-G.
Other names: c.77-12_77-5del (NM_001354664.2); c.76+1396_76+1403del (NM_001354663.2); c.449-12_449-5del (NM_130834.3, NM_130836.3, NM_015560.3); c.449-618_449-611del (NM_130835.3, NM_130832.3); c.448+1396_448+1403del (NM_130833.3, NM_130831.3).
Identifiers: ClinVar variation 1491289 (VCV001491289.6), dbSNP rs2108877798, ClinGen allele CA2573136825.

ClinVar aggregate classification (germline): Uncertain significance (1 of 4 stars; one submission).

Submission:

Labcorp Genetics (formerly Invitae), Labcorp
Classification: Uncertain significance. Last evaluated: 2021-10-12. Review status: criteria provided, single submitter. Criteria: Invitae Variant Classification Sherloc (09022015). Collection method: clinical testing. Allele origin: germline.
Comment: Algorithms developed to predict the effect of sequence changes on RNA splicing suggest that this variant may disrupt the consensus splice site. In summary, the available evidence is currently insufficient to determine the role of this variant in disease. Therefore, it has been classified as a Variant of Uncertain Significance. This variant has not been reported in the literature in individuals affected with OPA1-related conditions. This variant is not present in population databases (ExAC no frequency). This sequence change falls in intron 3 of the OPA1 gene. It does not directly change the encoded amino acid sequence of the OPA1 protein.